The following is an entry in ClinVar:

ClinVar aggregate classification (germline): Uncertain significance (1 of 4 stars; one submission).

Conditions:
Duchenne muscular dystrophy (DMD). Also called: MUSCULAR DYSTROPHY, PSEUDOHYPERTROPHIC PROGRESSIVE, DUCHENNE TYPE; Duchenne Muscular Dystrophy (DMD). Identifiers: Orphanet 98896, MedGen C0013264, MONDO:0010679, OMIM 310200.

Submission:

Labcorp Genetics (formerly Invitae), Labcorp
Classification: Uncertain significance for Duchenne muscular dystrophy. Last evaluated: 2024-11-13. Review status: criteria provided, single submitter. Criteria: Invitae Variant Classification Sherloc (09022015). Collection method: clinical testing. Allele origin: germline.
Comment: This sequence change replaces glutamic acid, which is acidic and polar, with glycine, which is neutral and non-polar, at codon 2566 of the DMD protein (p.Glu2566Gly). This variant is not present in population databases (gnomAD no frequency). This variant has not been reported in the literature in individuals affected with DMD-related conditions. Invitae Evidence Modeling of protein sequence and biophysical properties (such as structural, functional, and spatial information, amino acid conservation, physicochemical variation, residue mobility, and thermodynamic stability) indicates that this missense variant is not expected to disrupt DMD protein function with a negative predictive value of 95%. In summary, the available evidence is currently insufficient to determine the role of this variant in disease. Therefore, it has been classified as a Variant of Uncertain Significance.

NM_004006.3(DMD):c.7697A>G (p.Glu2566Gly)

Gene: DMD (dystrophin; minus strand). Cytogenetic location: Xp21.1.
Variant type: single nucleotide variant.
Coding change: c.7697A>G on transcript NM_004006.3 (MANE Select); coding-DNA position 7697, A replaced by G.
Protein change: p.Glu2566Gly; replaces glutamic acid 2566 with glycine.
Molecular consequence: missense variant.
Genome position (GRCh38, 1-based): chrX:31,679,550, T>C on the plus strand (A>G on the coding strand, the complement: DMD is on the minus strand). VCF-style: chrX-31679550-T-C. GRCh37 (hg19) VCF-style: chrX-31697667-T-C.
Other names: c.7673A>G, p.Glu2558Gly (NM_000109.4); c.7685A>G, p.Glu2562Gly (NM_004009.3); c.7328A>G, p.Glu2443Gly (NM_004010.3); c.3674A>G, p.Glu1225Gly (NM_004011.4); c.3665A>G, p.Glu1222Gly (NM_004012.4); c.317A>G, p.Glu106Gly (NM_004013.3, NM_004020.4, NM_004021.3 and 2 more transcripts); short protein forms E2443G, E2558G, E1222G, E2566G, E106G, E2562G, E1225G.
Identifiers: ClinVar variation 3634805 (VCV003634805.2).
Genomic context (GRCh38, chrX:31,679,550, plus strand): 5'-AGCCATTGTGTTGAATCCTTTAACATTTCATTCAACTGTTGCCTCCGGTTCTGAAGGTGT[T>C]CTTGTACTTCATCCCACTGATTCTGAATTCTTTCAACTAGAATAAAAGGAAAAATAAATA-3'
Protein context (NP_003997.2, residues 2556-2576): RIQNQWDEVQ[Glu2566Gly]HLQNRRQQLN